The following is an entry in ClinVar:

ClinVar aggregate classification (germline): Likely benign (0 of 4 stars; one submission).

Conditions:
SS18L1-related disorder. Also called: SS18L1-related condition.

Allele frequency attached by ClinVar (database versions not stated): ESP Exome Variant Server 0.00031; 1000 Genomes Project 0.00040; 1000 Genomes Project 30x 0.00062; ExAC 0.00078.
gnomAD v4.1: 1,066 of 1,614,124 alleles (0.066%); highest among the groups gnomAD compares: Non-Finnish European, 0.067%; no homozygotes.

Submission:

PreventionGenetics, part of Exact Sciences
Classification: Likely benign for SS18L1-related condition. Last evaluated: 2019-03-06. Review status: no assertion criteria provided. Collection method: clinical testing. Allele origin: germline.
Comment: This variant is classified as likely benign based on ACMG/AMP sequence variant interpretation guidelines (Richards et al. 2015 PMID: 25741868, with internal and published modifications).

NM_198935.3(SS18L1):c.945C>T (p.Ala315=)

Gene: SS18L1 (SS18L1 subunit of BAF chromatin remodeling complex; plus strand). Cytogenetic location: 20q13.33.
Variant type: single nucleotide variant.
Coding change: c.945C>T on transcript NM_198935.3 (MANE Select); coding-DNA position 945, C replaced by T.
Protein change: p.Ala315=; no amino-acid change (alanine 315 retained).
Molecular consequence: synonymous variant. On other transcripts: non-coding transcript variant (2).
Genome position (GRCh38, 1-based): chr20:62,172,710, C>T. VCF-style: chr20-62172710-C-T. GRCh37 (hg19) VCF-style: chr20-60747766-C-T.
Other names: c.552C>T, p.Ala184= (NM_001301778.2).
Identifiers: ClinVar variation 3045491 (VCV003045491.2), dbSNP rs151091533, ClinGen allele CA9937352.